The following is an entry in ClinVar:

NM_001369369.1(FOXN1):c.1383C>T (p.Gly461=)

Gene: FOXN1 (forkhead box N1; plus strand). Cytogenetic location: 17q11.2.
Variant type: single nucleotide variant.
Coding change: c.1383C>T on transcript NM_001369369.1 (MANE Select); coding-DNA position 1383, C replaced by T.
Protein change: p.Gly461=; no amino-acid change (glycine 461 retained).
Molecular consequence: synonymous variant.
Genome position (GRCh38, 1-based): chr17:28,534,954, C>T. VCF-style: chr17-28534954-C-T. GRCh37 (hg19) VCF-style: chr17-26861972-C-T.
Other names: c.1383C>T, p.Gly461= (NM_003593.3).
Identifiers: ClinVar variation 2751743 (VCV002751743.3), dbSNP rs775356281, ClinGen allele CA8459511.

ClinVar aggregate classification (germline): Uncertain significance (1 of 4 stars; one submission).

Conditions:
T-cell immunodeficiency, congenital alopecia, and nail dystrophy. Also called: Congenital alopecia and nail dystrophy associated with severe functional T-cell immunodeficiency; Pignata Guarino syndrome. Identifiers: Orphanet 169095, MedGen C1866426, MONDO:0011132, OMIM 601705.

Allele frequency attached by ClinVar (database versions not stated): gnomAD exomes below 0.00001; ExAC 0.00001.
gnomAD v4.1: 5 of 1,614,078 alleles (0.00031%); highest among the groups gnomAD compares: Non-Finnish European, 0.00042%; no homozygotes.

Submission:

Labcorp Genetics (formerly Invitae), Labcorp
Classification: Uncertain significance for T-cell immunodeficiency, congenital alopecia, and nail dystrophy. Last evaluated: 2023-08-10. Review status: criteria provided, single submitter. Criteria: Invitae Variant Classification Sherloc (09022015). Collection method: clinical testing. Allele origin: germline.
Comment: This sequence change affects codon 461 of the FOXN1 mRNA. It is a 'silent' change, meaning that it does not change the encoded amino acid sequence of the FOXN1 protein. This variant is present in population databases (rs775356281, gnomAD 0.0009%). This variant has not been reported in the literature in individuals affected with FOXN1-related conditions. Algorithms developed to predict the effect of sequence changes on RNA splicing suggest that this variant may create or strengthen a splice site. In summary, the available evidence is currently insufficient to determine the role of this variant in disease. Therefore, it has been classified as a Variant of Uncertain Significance.